The following is an entry in ClinVar:

ClinVar aggregate classification (germline): Uncertain significance (1 of 4 stars; one submission).

Conditions:
Inborn genetic diseases. Identifiers: MedGen C0950123, MeSH D030342.

gnomAD v4.1: 1 of 1,611,328 alleles (0.000062%); highest among the groups gnomAD compares: African/African-American, 0.0013%; no homozygotes.

Submission:

Ambry Genetics
Classification: Uncertain significance for Inborn genetic diseases. Last evaluated: 2025-01-19. Review status: criteria provided, single submitter. Criteria: Ambry Variant Classification Scheme 2023. Collection method: clinical testing. Allele origin: germline.
Comment: The p.N272S variant (also known as c.815A>G), located in coding exon 8 of the ANKRD26 gene, results from an A to G substitution at nucleotide position 815. The asparagine at codon 272 is replaced by serine, an amino acid with highly similar properties. This amino acid position is conserved. In addition, this alteration is predicted to be tolerated by in silico analysis. Based on the available evidence, the clinical significance of this variant remains unclear.

NM_014915.3(ANKRD26):c.815A>G (p.Asn272Ser)

Gene: ANKRD26 (ankyrin repeat domain containing 26; minus strand). Cytogenetic location: 10p12.1.
Variant type: single nucleotide variant.
Coding change: c.815A>G on transcript NM_014915.3 (MANE Select); coding-DNA position 815, A replaced by G.
Protein change: p.Asn272Ser; replaces asparagine 272 with serine.
Molecular consequence: missense variant.
Genome position (GRCh38, 1-based): chr10:27,077,692, T>C on the plus strand (A>G on the coding strand, the complement: ANKRD26 is on the minus strand). VCF-style: chr10-27077692-T-C. GRCh37 (hg19) VCF-style: chr10-27366621-T-C.
Other names: c.815A>G, p.Asn272Ser (NM_001256053.2); short protein forms N272S.
Identifiers: ClinVar variation 3870603 (VCV003870603.1).